The following is an entry in ClinVar:

NM_006231.4(POLE):c.3123G>A (p.Arg1041=)

Gene: POLE (DNA polymerase epsilon, catalytic subunit; minus strand). Cytogenetic location: 12q24.33.
Variant type: single nucleotide variant.
Coding change: c.3123G>A on transcript NM_006231.4 (MANE Select); coding-DNA position 3123, G replaced by A.
Protein change: p.Arg1041=; no amino-acid change (arginine 1041 retained).
Molecular consequence: synonymous variant.
Genome position (GRCh38, 1-based): chr12:132,659,447, C>T on the plus strand (G>A on the coding strand, the complement: POLE is on the minus strand). VCF-style: chr12-132659447-C-T. GRCh37 (hg19) VCF-style: chr12-133236033-C-T.
Other names: c.3123G>A (NM_006231.2).
Identifiers: ClinVar variation 1139443 (VCV001139443.10), dbSNP rs2138677703, ClinGen allele CA482733503.

ClinVar aggregate classification (germline): Conflicting classifications of pathogenicity. Review status: criteria provided, conflicting classifications (1 of 4 stars). 2 submissions from 2 submitters: Uncertain significance (1); Likely benign (1). Last evaluated 2025-12-09.

Conditions:
Hereditary cancer-predisposing syndrome. Also called: Hereditary neoplastic syndrome; Hereditary Cancer Syndrome; Tumor predisposition; Neoplastic Syndromes, Hereditary. Identifiers: Orphanet 140162, MedGen C0027672, MeSH D009386, MONDO:0015356.

Allele frequency attached by ClinVar (database versions not stated): gnomAD exomes 0.00001.
gnomAD v4.1: 5 of 1,614,228 alleles (0.00031%); highest among the groups gnomAD compares: Non-Finnish European, 0.00042%; no homozygotes.

Submissions (2):

Ambry Genetics
Classification: Uncertain significance for Hereditary cancer-predisposing syndrome. Last evaluated: 2025-12-09. Review status: criteria provided, single submitter. Criteria: Ambry Variant Classification Scheme 2023. Collection method: clinical testing. Allele origin: germline.
Comment: The c.3123G>A variant (also known as p.R1041R), located in coding exon 26 of the POLE gene, results from a G to A substitution at nucleotide position 3123. This nucleotide substitution does not change the at codon 1041. However, this change occurs in the base pair of coding exon 26, which makes it likely to have some effect on normal mRNA splicing. This nucleotide position is not well conserved in available vertebrate species. In silico splice site analysis for this alteration is inconclusive. Based on the available evidence, the clinical significance of this variant remains unclear.

Labcorp Genetics (formerly Invitae), Labcorp
Classification: Likely benign. Last evaluated: 2025-04-27. Review status: criteria provided, single submitter. Criteria: Invitae Variant Classification Sherloc (09022015). Collection method: clinical testing. Allele origin: germline.